The following is an entry in ClinVar:

ClinVar aggregate classification (germline): Likely benign (1 of 4 stars; one submission).

Conditions:
Methylmalonate semialdehyde dehydrogenase deficiency (MMSDHD). Also called: MMSDH DEFICIENCY. Identifiers: Orphanet 289307, MedGen C3279840, MONDO:0013579, OMIM 614105.

Allele frequency attached by ClinVar (database versions not stated): gnomAD 0.00203 and 0.00225; 1000 Genomes Project 0.00220; 1000 Genomes Project 30x 0.00250; TOPMed 0.00262.

Submission:

Illumina Laboratory Services, Illumina
Classification: Likely benign for Methylmalonate semialdehyde dehydrogenase deficiency. Last evaluated: 2018-01-12. Review status: criteria provided, single submitter. Criteria: ICSL Variant Classification Criteria 13 December 2019. Collection method: clinical testing. Allele origin: germline.
Comment: This variant was observed in the ICSL laboratory as part of a predisposition screen in an ostensibly healthy population. It had not been previously curated by ICSL or reported in the Human Gene Mutation Database (HGMD: prior to June 1st, 2018), and was therefore a candidate for classification through an automated scoring system. Utilizing variant allele frequency, disease prevalence and penetrance estimates, and inheritance mode, an automated score was calculated to assess if this variant is too frequent to cause the disease. Based on the score and internal cut-off values, a variant classified as likely benign is not then subjected to further curation. The score for this variant resulted in a classification of likely benign for this disease.

NM_005589.4(ALDH6A1):c.*1820G>A

Genes: ALDH6A1 (aldehyde dehydrogenase 6 family member A1; minus strand), BBOF1 (basal body orientation factor 1; plus strand). Cytogenetic location: 14q24.3.
Variant type: single nucleotide variant.
Coding change: c.*1820G>A on transcript NM_005589.4 (MANE Select); 1820 bases downstream of the stop codon, G replaced by A.
Molecular consequence: 3 prime UTR variant. On other transcripts: intron variant (1).
Genome position (GRCh38, 1-based): chr14:74,058,822, C>T on the plus strand (G>A on the coding strand, the complement: ALDH6A1 is on the minus strand). VCF-style: chr14-74058822-C-T. GRCh37 (hg19) VCF-style: chr14-74525525-C-T.
Other names: c.*1820G>A (NM_001278593.2, NM_001278594.2); c.1578+1564C>T (NM_025057.3).
Identifiers: ClinVar variation 885789 (VCV000885789.4), dbSNP rs111624130, ClinGen allele CA263533465.